The following is an entry in ClinVar:

ClinVar aggregate classification (germline): Uncertain significance (1 of 4 stars; one submission).

Conditions:
Cardiovascular phenotype. Identifiers: MedGen CN230736.

Submission:

Ambry Genetics
Classification: Uncertain significance for Cardiovascular phenotype. Last evaluated: 2026-01-15. Review status: criteria provided, single submitter. Criteria: Ambry Variant Classification Scheme 2023. Collection method: clinical testing. Allele origin: germline.
Comment: The p.E770D variant (also known as c.2310G>C), located in coding exon 15 of the CBL gene, results from a G to C substitution at nucleotide position 2310. The glutamic acid at codon 770 is replaced by aspartic acid, an amino acid with highly similar properties. This amino acid position is conserved. In addition, this alteration is predicted to be tolerated by in silico analysis. Based on the available evidence, the clinical significance of this variant remains unclear.

NM_005188.4(CBL):c.2310G>C (p.Glu770Asp)

Gene: CBL (Cbl proto-oncogene; plus strand). Cytogenetic location: 11q23.3.
Variant type: single nucleotide variant.
Coding change: c.2310G>C on transcript NM_005188.4 (MANE Select); coding-DNA position 2310, G replaced by C.
Protein change: p.Glu770Asp; replaces glutamic acid 770 with aspartic acid.
Molecular consequence: missense variant.
Genome position (GRCh38, 1-based): chr11:119,298,416, G>C. VCF-style: chr11-119298416-G-C. GRCh37 (hg19) VCF-style: chr11-119169126-G-C.
Other names: short protein forms E770D.
Identifiers: ClinVar variation 4825162 (VCV004825162.1).
Genomic context (GRCh38, chr11:119,298,416, plus strand): 5'-AGGTGAAGGGAATTTGGCCGCAGCCCATGCCAACACTGGTCCCGAGGAGTCAGAAAATGA[G>C]GATGATGGGTATGATGTCCCAAAGCCACCTGTGCCGGCCGTGCTGGCCCGCCGAACTCTC-3'
Protein context (NP_005179.2, residues 760-780): ANTGPEESEN[Glu770Asp]DDGYDVPKPP